The following is an entry in ClinVar:

ClinVar aggregate classification (germline): Likely benign. Review status: criteria provided, single submitter (1 of 4 stars). 2 submissions from 2 submitters: Likely benign (1). 1 of the submissions does not count toward it. Last evaluated 2024-08-22.

Conditions:
PITPNM3-related disorder. Also called: PITPNM3-related condition.

Allele frequency attached by ClinVar (database versions not stated): gnomAD exomes 0.00016; ExAC 0.00042; ESP Exome Variant Server 0.00085; TOPMed 0.00149; gnomAD 0.00154; 1000 Genomes Project 0.00180; 1000 Genomes Project 30x 0.00203.
gnomAD v4.1: 484 of 1,614,024 alleles (0.03%); highest among the groups gnomAD compares: African/African-American, 0.56%; 3 homozygotes.

Submissions (2):

Blueprint Genetics
Classification: Likely benign. Last evaluated: 2024-08-22. Review status: criteria provided, single submitter. Criteria: ACMG Guidelines, 2015. Collection method: clinical testing. Allele origin: germline.

PreventionGenetics, part of Exact Sciences
Classification: Benign for PITPNM3-related condition. Last evaluated: 2019-11-01. Review status: no assertion criteria provided. Collection method: clinical testing. Allele origin: germline. Not counted in ClinVar's aggregate classification.
Comment: This variant is classified as benign based on ACMG/AMP sequence variant interpretation guidelines (Richards et al. 2015 PMID: 25741868, with internal and published modifications).

NM_031220.4(PITPNM3):c.2307-6C>T

Gene: PITPNM3 (PITPNM family member 3; minus strand). Cytogenetic location: 17p13.2.
Variant type: single nucleotide variant.
Coding change: c.2307-6C>T on transcript NM_031220.4 (MANE Select); 6 bases into the intron before coding-DNA position 2307, C replaced by T.
Molecular consequence: intron variant.
Genome position (GRCh38, 1-based): chr17:6,461,562, G>A on the plus strand (C>T on the coding strand, the complement: PITPNM3 is on the minus strand). VCF-style: chr17-6461562-G-A. GRCh37 (hg19) VCF-style: chr17-6364882-G-A.
Other names: c.2199-6C>T (NM_001165966.2).
Identifiers: ClinVar variation 3052953 (VCV003052953.3), dbSNP rs74878323, ClinGen allele CA8329199.